The following is an entry in ClinVar:

NM_002103.5(GYS1):c.2089G>C (p.Ala697Pro)

Gene: GYS1 (glycogen synthase 1; minus strand). Cytogenetic location: 19q13.33.
Variant type: single nucleotide variant.
Coding change: c.2089G>C on transcript NM_002103.5 (MANE Select); coding-DNA position 2089, G replaced by C.
Protein change: p.Ala697Pro; replaces alanine 697 with proline.
Molecular consequence: missense variant. On other transcripts: non-coding transcript variant (1).
Genome position (GRCh38, 1-based): chr19:48,969,413, C>G on the plus strand (G>C on the coding strand, the complement: GYS1 is on the minus strand). VCF-style: chr19-48969413-C-G. GRCh37 (hg19) VCF-style: chr19-49472670-C-G.
Other names: c.1897G>C, p.Ala633Pro (NM_001161587.2); c.2089G>C (NM_002103.4); short protein forms A633P, A697P.
Identifiers: ClinVar variation 2179730 (VCV002179730.5), dbSNP rs1284440482, ClinGen allele CA406759240.

ClinVar aggregate classification (germline): Uncertain significance. Review status: criteria provided, multiple submitters, no conflicts (2 of 4 stars). 2 submissions from 2 submitters: Uncertain significance (2). Last evaluated 2025-01-10.

Conditions:
Inborn genetic diseases. Identifiers: MedGen C0950123, MeSH D030342.
Glycogen storage disease due to muscle and heart glycogen synthase deficiency. Also called: GSD 0b; MUSCLE GLYCOGEN SYNTHASE DEFICIENCY. Identifiers: Orphanet 137625, MedGen C1969054, MONDO:0012693, OMIM 611556.

Submissions (2):

Ambry Genetics
Classification: Uncertain significance for Inborn genetic diseases. Last evaluated: 2025-01-10. Review status: criteria provided, single submitter. Criteria: Ambry Variant Classification Scheme 2023. Collection method: clinical testing. Allele origin: germline.

Labcorp Genetics (formerly Invitae), Labcorp
Classification: Uncertain significance for Glycogen storage disease due to muscle and heart glycogen synthase deficiency. Last evaluated: 2022-05-07. Review status: criteria provided, single submitter. Criteria: Invitae Variant Classification Sherloc (09022015). Collection method: clinical testing. Allele origin: germline.
Comment: This sequence change replaces alanine, which is neutral and non-polar, with proline, which is neutral and non-polar, at codon 697 of the GYS1 protein (p.Ala697Pro). The frequency data for this variant in the population databases is considered unreliable, as metrics indicate poor data quality at this position in the gnomAD database. This variant has not been reported in the literature in individuals affected with GYS1-related conditions. Algorithms developed to predict the effect of missense changes on protein structure and function output the following: SIFT: "Deleterious"; PolyPhen-2: "Benign"; Align-GVGD: "Class C0". The proline amino acid residue is found in multiple mammalian species, which suggests that this missense change does not adversely affect protein function. In summary, the available evidence is currently insufficient to determine the role of this variant in disease. Therefore, it has been classified as a Variant of Uncertain Significance.